The following is an entry in ClinVar:

NM_000493.4(COL10A1):c.797C>G (p.Pro266Arg)

Genes: COL10A1 (collagen type X alpha 1 chain; minus strand), NT5DC1 (5'-nucleotidase domain containing 1; plus strand). Cytogenetic location: 6q22.1.
Variant type: single nucleotide variant.
Coding change: c.797C>G on transcript NM_000493.4 (MANE Select); coding-DNA position 797, C replaced by G.
Protein change: p.Pro266Arg; replaces proline 266 with arginine.
Molecular consequence: missense variant. On other transcripts: intron variant (1).
Genome position (GRCh38, 1-based): chr6:116,121,319, G>C on the plus strand (C>G on the coding strand, the complement: COL10A1 is on the minus strand). VCF-style: chr6-116121319-G-C. GRCh37 (hg19) VCF-style: chr6-116442482-G-C.
Other names: c.797C>G, p.Pro266Arg (NM_001424106.1, NM_001424107.1); c.529+3374G>C (NM_152729.3); short protein forms P266R.
Identifiers: ClinVar variation 2630178 (VCV002630178.1), dbSNP rs2534089869, ClinGen allele CA365392761.

ClinVar aggregate classification (germline): Uncertain significance (1 of 4 stars; one submission).

Conditions:
COL10A1-related disorder. Also called: COL10A1-related condition.

Submission:

PreventionGenetics, part of Exact Sciences
Classification: Uncertain significance for COL10A1-related condition. Last evaluated: 2023-04-19. Review status: criteria provided, single submitter. Criteria: ACMG Guidelines, 2015. Collection method: clinical testing. Allele origin: germline.
Comment: The COL10A1 c.797C>G variant is predicted to result in the amino acid substitution p.Pro266Arg. To our knowledge, this variant has not been reported in the literature or in a large population database, indicating this variant is rare. At this time, the clinical significance of this variant is uncertain due to the absence of conclusive functional and genetic evidence.